The following is an entry in ClinVar:

ClinVar aggregate classification (germline): Conflicting classifications of pathogenicity. Review status: criteria provided, conflicting classifications (1 of 4 stars). 4 submissions from 4 submitters: Uncertain significance (1); Benign (1); Likely benign (1). 1 of the submissions does not count toward it. Last evaluated 2025-02-27.

Conditions:
Inborn genetic diseases. Identifiers: MedGen C0950123, MeSH D030342.
Intellectual disability, autosomal recessive 42 (NEDDSBA). Also called: Neurodevelopmental disorder with dysmorphic features, spasticity, and brain abnormalities; GLYCOSYLPHOSPHATIDYLINOSITOL BIOSYNTHESIS DEFECT 9. Identifiers: Orphanet 88616, MedGen C4014343, MONDO:0014348, OMIM 615802.
PGAP1-related disorder. Also called: PGAP1-related condition.
Hereditary spastic paraplegia. Also called: Familial spastic paraparesis. Identifiers: Orphanet 685, MedGen C0037773, MONDO:0019064. Disease mechanism: loss of function.

Allele frequency attached by ClinVar (database versions not stated): gnomAD exomes 0.00013 and 0.00056; gnomAD 0.00016 and 0.00023; TOPMed 0.00042; ExAC 0.00062; 1000 Genomes Project 30x 0.00125; 1000 Genomes Project 0.00160.
gnomAD v4.1: 231 of 1,593,808 alleles (0.014%); highest among the groups gnomAD compares: East Asian, 0.41%; 1 homozygote.

Submissions (4):

Labcorp Genetics (formerly Invitae), Labcorp
Classification: Benign for Intellectual disability, autosomal recessive 42. Last evaluated: 2025-02-27. Review status: criteria provided, single submitter. Criteria: Invitae Variant Classification Sherloc (09022015). Collection method: clinical testing. Allele origin: germline.

Ambry Genetics
Classification: Likely benign for Inborn genetic diseases. Last evaluated: 2023-03-22. Review status: criteria provided, single submitter. Criteria: Ambry Variant Classification Scheme 2023. Collection method: clinical testing. Allele origin: germline.

Genome Diagnostics Laboratory, The Hospital for Sick Children
Classification: Uncertain significance for Hereditary spastic paraplegia. Last evaluated: 2016-12-12. Review status: criteria provided, single submitter. Criteria: ACMG Guidelines, 2015. Collection method: clinical testing. Allele origin: germline. Affected: yes.

PreventionGenetics, part of Exact Sciences
Classification: Benign for PGAP1-related condition. Last evaluated: 2019-05-24. Review status: no assertion criteria provided. Collection method: clinical testing. Allele origin: germline. Not counted in ClinVar's aggregate classification.
Comment: This variant is classified as benign based on ACMG/AMP sequence variant interpretation guidelines (Richards et al. 2015 PMID: 25741868, with internal and published modifications).

NM_024989.4(PGAP1):c.2467C>G (p.Leu823Val)

Gene: PGAP1 (post-GPI attachment to proteins inositol deacylase 1; minus strand). Cytogenetic location: 2q33.1.
Variant type: single nucleotide variant.
Coding change: c.2467C>G on transcript NM_024989.4 (MANE Select); coding-DNA position 2467, C replaced by G.
Protein change: p.Leu823Val; replaces leucine 823 with valine.
Molecular consequence: missense variant.
Genome position (GRCh38, 1-based): chr2:196,843,946, G>C on the plus strand (C>G on the coding strand, the complement: PGAP1 is on the minus strand). VCF-style: chr2-196843946-G-C. GRCh37 (hg19) VCF-style: chr2-197708670-G-C.
Other names: c.1945C>G, p.Leu649Val (NM_001321099.2); c.1300C>G, p.Leu434Val (NM_001321100.2); short protein forms L434V, L649V, L823V.
Identifiers: ClinVar variation 1169410 (VCV001169410.16), dbSNP rs138036688, ClinGen allele CA2040622.